The following is an entry in ClinVar:

ClinVar aggregate classification (germline): Uncertain significance (1 of 4 stars; one submission).

Conditions:
Hajdu-Cheney syndrome (HJCYS). Also called: ACROOSTEOLYSIS WITH OSTEOPOROSIS AND CHANGES IN SKULL AND MANDIBLE; Acroosteolysis dominant type; SERPENTINE FIBULA-POLYCYSTIC KIDNEY SYNDROME. Identifiers: Orphanet 955, MedGen C0917715, MONDO:0007057, OMIM 102500.

Allele frequency attached by ClinVar (database versions not stated): gnomAD 0.00001.
gnomAD v4.1: 1 of 1,613,926 alleles (0.000062%); highest among the groups gnomAD compares: Non-Finnish European, 0.000085%; no homozygotes.

Submission:

Labcorp Genetics (formerly Invitae), Labcorp
Classification: Uncertain significance for Hajdu-Cheney syndrome. Last evaluated: 2022-06-26. Review status: criteria provided, single submitter. Criteria: Invitae Variant Classification Sherloc (09022015). Collection method: clinical testing. Allele origin: germline.
Comment: In summary, the available evidence is currently insufficient to determine the role of this variant in disease. Therefore, it has been classified as a Variant of Uncertain Significance. Advanced modeling of protein sequence and biophysical properties (such as structural, functional, and spatial information, amino acid conservation, physicochemical variation, residue mobility, and thermodynamic stability) performed at Invitae indicates that this missense variant is not expected to disrupt NOTCH2 protein function. This variant has not been reported in the literature in individuals affected with NOTCH2-related conditions. This variant is present in population databases (no rsID available, gnomAD 0.007%). This sequence change replaces isoleucine, which is neutral and non-polar, with valine, which is neutral and non-polar, at codon 548 of the NOTCH2 protein (p.Ile548Val).

NM_024408.4(NOTCH2):c.1642A>G (p.Ile548Val)

Gene: NOTCH2 (notch receptor 2; minus strand). Cytogenetic location: 1p12.
Variant type: single nucleotide variant.
Coding change: c.1642A>G on transcript NM_024408.4 (MANE Select); coding-DNA position 1642, A replaced by G.
Protein change: p.Ile548Val; replaces isoleucine 548 with valine.
Molecular consequence: missense variant.
Genome position (GRCh38, 1-based): chr1:119,965,492, T>C on the plus strand (A>G on the coding strand, the complement: NOTCH2 is on the minus strand). VCF-style: chr1-119965492-T-C. GRCh37 (hg19) VCF-style: chr1-120508115-T-C.
Other names: c.1642A>G, p.Ile548Val (NM_001200001.2); short protein forms I548V.
Identifiers: ClinVar variation 2198756 (VCV002198756.4), dbSNP rs1553199556, ClinGen allele CA341875156.